The following is an entry in ClinVar:

NM_031296.3(RAB33B):c.*2722T>G

Gene: RAB33B (RAB33B, member RAS oncogene family; plus strand). Cytogenetic location: 4q31.1.
Variant type: single nucleotide variant.
Coding change: c.*2722T>G on transcript NM_031296.3 (MANE Select); 2722 bases downstream of the stop codon, T replaced by G.
Molecular consequence: 3 prime UTR variant.
Genome position (GRCh38, 1-based): chr4:139,475,848, T>G. VCF-style: chr4-139475848-T-G. GRCh37 (hg19) VCF-style: chr4-140397002-T-G.
Identifiers: ClinVar variation 901472 (VCV000901472.5), dbSNP rs539470441, ClinGen allele CA106697844.

ClinVar aggregate classification (germline): Likely benign. Review status: criteria provided, multiple submitters, no conflicts (2 of 4 stars). 2 submissions from 2 submitters: Likely benign (2). Last evaluated 2018-01-13.

Conditions:
Smith-McCort dysplasia 2 (SMC2). Identifiers: MedGen C3714896, MONDO:0014087, OMIM 615222.

Allele frequency attached by ClinVar (database versions not stated): TOPMed 0.00044; gnomAD 0.00046; 1000 Genomes Project 30x 0.00047; 1000 Genomes Project 0.00060.

Submissions (2):

Illumina Laboratory Services, Illumina
Classification: Likely benign for Smith-McCort dysplasia 2. Last evaluated: 2018-01-13. Review status: criteria provided, single submitter. Criteria: ICSL Variant Classification Criteria 13 December 2019. Collection method: clinical testing. Allele origin: germline.
Comment: This variant was observed in the ICSL laboratory as part of a predisposition screen in an ostensibly healthy population. It had not been previously curated by ICSL or reported in the Human Gene Mutation Database (HGMD: prior to June 1st, 2018), and was therefore a candidate for classification through an automated scoring system. Utilizing variant allele frequency, disease prevalence and penetrance estimates, and inheritance mode, an automated score was calculated to assess if this variant is too frequent to cause the disease. Based on the score and internal cut-off values, a variant classified as likely benign is not then subjected to further curation. The score for this variant resulted in a classification of likely benign for this disease.

Breakthrough Genomics
Classification: Likely benign. Review status: criteria provided, single submitter. Criteria: ACMG Guidelines, 2015. Collection method: not provided. Allele origin: germline. Inheritance: Autosomal recessive inheritance. Affected: yes.